The following is an entry in ClinVar:

NM_032122.5(DTNBP1):c.218G>T (p.Gly73Val)

Gene: DTNBP1 (dystrobrevin binding protein 1; minus strand). Cytogenetic location: 6p22.3.
Variant type: single nucleotide variant.
Coding change: c.218G>T on transcript NM_032122.5 (MANE Select); coding-DNA position 218, G replaced by T.
Protein change: p.Gly73Val; replaces glycine 73 with valine.
Molecular consequence: missense variant. On other transcripts: 5 prime UTR variant (1), non-coding transcript variant (1).
Genome position (GRCh38, 1-based): chr6:15,637,748, C>A on the plus strand (G>T on the coding strand, the complement: DTNBP1 is on the minus strand). VCF-style: chr6-15637748-C-A. GRCh37 (hg19) VCF-style: chr6-15637979-C-A.
Other names: p.Gly73Val; c.218G>T (NM_032122.4); c.-26G>T (NM_001271667.2); c.167G>T, p.Gly56Val (NM_001271668.2); c.113G>T, p.Gly38Val (NM_001271669.2); c.218G>T, p.Gly73Val (NM_183040.2); short protein forms G73V, G56V, G38V.
Identifiers: ClinVar variation 1423008 (VCV001423008.9), dbSNP rs370162147, ClinGen allele CA3644210.

ClinVar aggregate classification (germline): Uncertain significance. Review status: criteria provided, multiple submitters, no conflicts (2 of 4 stars). 4 submissions from 4 submitters: Uncertain significance (4). Last evaluated 2025-02-11.

Conditions:
DTNBP1-related disorder. Also called: DTNBP1-related condition.
Inborn genetic diseases. Identifiers: MedGen C0950123, MeSH D030342.

Allele frequency attached by ClinVar (database versions not stated): gnomAD exomes 0.00007 and 0.00010; ESP Exome Variant Server 0.00008; ExAC 0.00009; gnomAD 0.00010; TOPMed 0.00012.
gnomAD v4.1: 111 of 1,613,758 alleles (0.0069%); highest among the groups gnomAD compares: Non-Finnish European, 0.009%; no homozygotes.

Submissions (4):

PreventionGenetics, part of Exact Sciences
Classification: Uncertain significance for DTNBP1-related condition. Last evaluated: 2025-02-11. Review status: criteria provided, single submitter. Criteria: ACMG Guidelines, 2015. Collection method: clinical testing. Allele origin: germline.
Comment: The DTNBP1 c.218G>T variant is predicted to result in the amino acid substitution p.Gly73Val. To our knowledge, this variant has not been reported in the literature. This variant is reported in 0.022% of alleles in individuals of European (Non-Finnish) descent in gnomAD. At this time, the clinical significance of this variant is uncertain due to the absence of conclusive functional and genetic evidence.

Ambry Genetics
Classification: Uncertain significance for Inborn genetic diseases. Last evaluated: 2024-09-20. Review status: criteria provided, single submitter. Criteria: Ambry Variant Classification Scheme 2023. Collection method: clinical testing. Allele origin: germline.

Mayo Clinic Laboratories, Mayo Clinic
Classification: Uncertain significance. Last evaluated: 2024-08-22. Review status: criteria provided, single submitter. Criteria: ACMG Guidelines, 2015. Collection method: clinical testing. Allele origin: germline. Observed: 1 variant allele.

Labcorp Genetics (formerly Invitae), Labcorp
Classification: Uncertain significance. Last evaluated: 2022-08-15. Review status: criteria provided, single submitter. Criteria: Invitae Variant Classification Sherloc (09022015). Collection method: clinical testing. Allele origin: germline.
Comment: This sequence change replaces glycine, which is neutral and non-polar, with valine, which is neutral and non-polar, at codon 73 of the DTNBP1 protein (p.Gly73Val). This variant is present in population databases (rs370162147, gnomAD 0.02%). This variant has not been reported in the literature in individuals affected with DTNBP1-related conditions. ClinVar contains an entry for this variant (Variation ID: 1423008). Algorithms developed to predict the effect of missense changes on protein structure and function (SIFT, PolyPhen-2, Align-GVGD) all suggest that this variant is likely to be disruptive. In summary, the available evidence is currently insufficient to determine the role of this variant in disease. Therefore, it has been classified as a Variant of Uncertain Significance.